The following is an entry in ClinVar:

ClinVar aggregate classification (germline): Uncertain significance (1 of 4 stars; one submission).

Allele frequency attached by ClinVar (database versions not stated): gnomAD exomes below 0.00001; gnomAD 0.00001.
gnomAD v4.1: 6 of 1,499,646 alleles (0.0004%); highest among the groups gnomAD compares: Admixed American, 0.01%; 1 homozygote.

Submission:

Labcorp Genetics (formerly Invitae), Labcorp
Classification: Uncertain significance. Last evaluated: 2021-09-14. Review status: criteria provided, single submitter. Criteria: Invitae Variant Classification Sherloc (09022015). Collection method: clinical testing. Allele origin: germline.
Comment: In summary, the available evidence is currently insufficient to determine the role of this variant in disease. Therefore, it has been classified as a Variant of Uncertain Significance. Nucleotide substitutions within the consensus splice site are a relatively common cause of aberrant splicing (PMID: 17576681, 9536098). Algorithms developed to predict the effect of sequence changes on RNA splicing suggest that this variant is not likely to affect RNA splicing. This sequence change falls in intron 7 of the PLK4 gene. It does not directly change the encoded amino acid sequence of the PLK4 protein. It affects a nucleotide within the consensus splice site of the intron. This variant is not present in population databases (ExAC no frequency). This variant has not been reported in the literature in individuals affected with PLK4-related conditions.

Literature cited by the submitters: PubMed 17576681; PubMed 9536098.

NM_014264.5(PLK4):c.1831-3T>C

Gene: PLK4 (polo like kinase 4; plus strand). Cytogenetic location: 4q28.1.
Variant type: single nucleotide variant.
Coding change: c.1831-3T>C on transcript NM_014264.5 (MANE Select); 3 bases into the intron before coding-DNA position 1831, T replaced by C.
Molecular consequence: intron variant.
Genome position (GRCh38, 1-based): chr4:127,891,089, T>C. VCF-style: chr4-127891089-T-C. GRCh37 (hg19) VCF-style: chr4-128812244-T-C.
Other names: c.1735-3T>C (NM_001190799.2); c.1708-3T>C (NM_001190801.2).
Identifiers: ClinVar variation 1496020 (VCV001496020.6), dbSNP rs772096602, ClinGen allele CA554732384.
Genomic context (GRCh38, chr4:127,891,089, plus strand): 5'-ATGTCAGAGCTGTTCTAGTAAACAAAAGAATTATTACTGATTTTGGGTTTTTTTTTTTTT[T>C]AGGTGAGCATACTTGATTCAGAGGAGGTGTGTGTGGAGCTTGTAAAGGAGTATGCATCTC-3'